The following is an entry in ClinVar:

ClinVar aggregate classification (germline): Likely benign (1 of 4 stars; one submission).

Allele frequency attached by ClinVar (database versions not stated): 1000 Genomes Project 0.00060; 1000 Genomes Project 30x 0.00078; TOPMed 0.00212; ExAC 0.00266; ESP Exome Variant Server 0.00269; gnomAD 0.00271; gnomAD exomes 0.00312.
gnomAD v4.1: 4,910 of 1,613,810 alleles (0.3%); highest among the groups gnomAD compares: Non-Finnish European, 0.36%; 16 homozygotes.

Submission:

CeGaT Center for Human Genetics Tuebingen
Classification: Likely benign. Last evaluated: 2022-12-01. Review status: criteria provided, single submitter. Criteria: CeGaT Center For Human Genetics Tuebingen Variant Classification Criteria Version 2. Collection method: clinical testing. Allele origin: germline. Affected: yes. Observed: 1 variant allele.
Comment: SEC31B: BP4, BS2

NM_015490.4(SEC31B):c.3331T>C (p.Tyr1111His)

Gene: SEC31B (SEC31 homolog B, COPII component; minus strand). Cytogenetic location: 10q24.31.
Variant type: single nucleotide variant.
Coding change: c.3331T>C on transcript NM_015490.4 (MANE Select); coding-DNA position 3331, T replaced by C.
Protein change: p.Tyr1111His; replaces tyrosine 1111 with histidine.
Molecular consequence: missense variant.
Genome position (GRCh38, 1-based): chr10:100,488,056, A>G on the plus strand (T>C on the coding strand, the complement: SEC31B is on the minus strand). VCF-style: chr10-100488056-A-G. GRCh37 (hg19) VCF-style: chr10-102247813-A-G.
Other names: short protein forms Y1111H.
Identifiers: ClinVar variation 2640757 (VCV002640757.24), dbSNP rs140504657, ClinGen allele CA5648984.